The following is an entry in ClinVar:

ClinVar aggregate classification (germline): Likely pathogenic (1 of 4 stars; one submission).

Conditions:
Familial cancer of breast. Also called: BREAST CANCER, FAMILIAL; Hereditary breast cancer; hereditary breast carcinoma. Identifiers: Orphanet 227535, MedGen C0346153, MONDO:0016419, OMIM 114480. Disease mechanism: loss of function.

Submission:

Myriad Genetics, Inc.
Classification: Likely pathogenic for Familial cancer of breast. Last evaluated: 2024-05-15. Review status: criteria provided, single submitter. Criteria: Myriad Autosomal Dominant, Autosomal Recessive and X-Linked Classification Criteria (2023). Collection method: clinical testing. Allele origin: unknown.
Comment: This variant is considered likely pathogenic. This variant creates a frameshift predicted to result in the incorporation of abnormal amino acid sequence into the protein product and abnormal protein elongation.

NM_024675.4(PALB2):c.3467_3468del (p.Asp1156fs)

Gene: PALB2 (partner and localizer of BRCA2; minus strand). Cytogenetic location: 16p12.2.
Variant type: Deletion.
Coding change: c.3467_3468del on transcript NM_024675.4 (MANE Select); coding-DNA positions 3467 to 3468, 2 bases deleted (AC; older notation c.3467_3468delAC).
Protein change: p.Asp1156fs; shifts the reading frame from aspartic acid 1156.
Molecular consequence: frameshift variant. On other transcripts: 3 prime UTR variant (5).
Genome position (GRCh38, 1-based): chr16:23,603,552-23,603,553, GT deleted on the plus strand (AC on the coding strand, the reverse complement: PALB2 is on the minus strand). VCF-style (leftmost placement, unchanged base first): chr16-23603551-GGT-G. GRCh37 (hg19) VCF-style: chr16-23614872-GGT-G.
Other names: c.1679_1680del, p.Asp560fs (NM_001407312.1); c.*102_*103del (NM_001407313.1, NM_001407301.1, NM_001407302.1 and 2 more transcripts); c.1001_1002del, p.Asp334fs (NM_001407314.1); c.3407_3408del, p.Asp1136fs (NM_001407296.1); c.3395_3396del, p.Asp1132fs (NM_001407297.1); c.3305_3306del, p.Asp1102fs (NM_001407298.1); c.3230_3231del, p.Asp1077fs (NM_001407299.1); c.3188_3189del, p.Asp1063fs (NM_001407300.1); and 3 more; short protein forms D1063fs, D1077fs, D1102fs, D1132fs, D1136fs, D1156fs, D334fs, D560fs.
Identifiers: ClinVar variation 3254388 (VCV003254388.1), dbSNP rs2506196328.